The following is an entry in ClinVar:

ClinVar aggregate classification (germline): Uncertain significance. Review status: criteria provided, multiple submitters, no conflicts (2 of 4 stars). 2 submissions from 2 submitters: Uncertain significance (2). Last evaluated 2024-09-23.

Conditions:
Epilepsy, X-linked 1, with variable learning disabilities and behavior disorders. Also called: X-linked epilepsy-learning disabilities-behavior disorders syndrome. Identifiers: Orphanet 85294, MedGen C5774177, MONDO:0010339, OMIM 300491.

gnomAD v4.1: 3 of 1,191,466 alleles (0.00025%); highest among the groups gnomAD compares: Non-Finnish European, 0.00022%; no homozygotes.

Submissions (2):

GeneDx
Classification: Uncertain significance. Last evaluated: 2024-09-23. Review status: criteria provided, single submitter. Criteria: GeneDx Variant Classification Process June 2021. Collection method: clinical testing. Allele origin: germline. Affected: yes.
Comment: Not observed at significant frequency in large population cohorts (gnomAD); In silico analysis indicates that this missense variant does not alter protein structure/function; Has not been previously published as pathogenic or benign to our knowledge

Labcorp Genetics (formerly Invitae), Labcorp
Classification: Uncertain significance for Epilepsy, X-linked 1, with variable learning disabilities and behavior disorders. Last evaluated: 2024-02-29. Review status: criteria provided, single submitter. Criteria: Invitae Variant Classification Sherloc (09022015). Collection method: clinical testing. Allele origin: germline.
Comment: This sequence change replaces glycine, which is neutral and non-polar, with serine, which is neutral and polar, at codon 102 of the SYN1 protein (p.Gly102Ser). This variant is not present in population databases (gnomAD no frequency). This variant has not been reported in the literature in individuals affected with SYN1-related conditions. An algorithm developed to predict the effect of missense changes on protein structure and function (PolyPhen-2) suggests that this variant is likely to be tolerated. In summary, the available evidence is currently insufficient to determine the role of this variant in disease. Therefore, it has been classified as a Variant of Uncertain Significance.

NM_006950.3(SYN1):c.304G>A (p.Gly102Ser)

Gene: SYN1 (synapsin I; minus strand). Cytogenetic location: Xp11.23.
Variant type: single nucleotide variant.
Coding change: c.304G>A on transcript NM_006950.3 (MANE Select); coding-DNA position 304, G replaced by A.
Protein change: p.Gly102Ser; replaces glycine 102 with serine.
Molecular consequence: missense variant.
Genome position (GRCh38, 1-based): chrX:47,619,425, C>T on the plus strand (G>A on the coding strand, the complement: SYN1 is on the minus strand). VCF-style: chrX-47619425-C-T. GRCh37 (hg19) VCF-style: chrX-47478824-C-T.
Other names: c.304G>A, p.Gly102Ser (NM_133499.2); short protein forms G102S.
Identifiers: ClinVar variation 3702046 (VCV003702046.3).